The following is an entry in ClinVar:

ClinVar aggregate classification (germline): Uncertain significance (1 of 4 stars; one submission).

Conditions:
Primary ciliary dyskinesia. Also called: Ciliary dyskinesia. Identifiers: Orphanet 244, MedGen C0008780, MONDO:0016575, HP:0012265.

Allele frequency attached by ClinVar (database versions not stated): gnomAD exomes 0.00002 and 0.00004; TOPMed 0.00002; ExAC 0.00002; gnomAD 0.00002.
gnomAD v4.1: 32 of 1,613,706 alleles (0.002%); highest among the groups gnomAD compares: South Asian, 0.014%; no homozygotes.

Submission:

Labcorp Genetics (formerly Invitae), Labcorp
Classification: Uncertain significance for Primary ciliary dyskinesia. Last evaluated: 2021-09-01. Review status: criteria provided, single submitter. Criteria: Invitae Variant Classification Sherloc (09022015). Collection method: clinical testing. Allele origin: germline.
Comment: This sequence change replaces arginine with tryptophan at codon 99 of the RSPH1 protein (p.Arg99Trp). The arginine residue is highly conserved and there is a moderate physicochemical difference between arginine and tryptophan. This variant is present in population databases (rs770359437, ExAC 0.02%). This variant has not been reported in the literature in individuals affected with RSPH1-related conditions. Algorithms developed to predict the effect of missense changes on protein structure and function (SIFT, PolyPhen-2, Align-GVGD) all suggest that this variant is likely to be disruptive. In summary, the available evidence is currently insufficient to determine the role of this variant in disease. Therefore, it has been classified as a Variant of Uncertain Significance.

NM_080860.4(RSPH1):c.295C>T (p.Arg99Trp)

Gene: RSPH1 (radial spoke head component 1; minus strand). Cytogenetic location: 21q22.3.
Variant type: single nucleotide variant.
Coding change: c.295C>T on transcript NM_080860.4 (MANE Select); coding-DNA position 295, C replaced by T.
Protein change: p.Arg99Trp; replaces arginine 99 with tryptophan.
Molecular consequence: missense variant.
Genome position (GRCh38, 1-based): chr21:42,486,441, G>A on the plus strand (C>T on the coding strand, the complement: RSPH1 is on the minus strand). VCF-style: chr21-42486441-G-A. GRCh37 (hg19) VCF-style: chr21-43906551-G-A.
Other names: c.181C>T, p.Arg61Trp (NM_001286506.2); short protein forms R99W, R61W.
Identifiers: ClinVar variation 577117 (VCV000577117.6), dbSNP rs770359437, ClinGen allele CA10043986.